The following is an entry in ClinVar:

NM_004522.3(KIF5C):c.2640G>A (p.Glu880=)

Gene: KIF5C (kinesin family member 5C; plus strand). Cytogenetic location: 2q23.2.
Variant type: single nucleotide variant.
Coding change: c.2640G>A on transcript NM_004522.3 (MANE Select); coding-DNA position 2640, G replaced by A.
Protein change: p.Glu880=; no amino-acid change (glutamic acid 880 retained).
Molecular consequence: synonymous variant. On other transcripts: non-coding transcript variant (1).
Genome position (GRCh38, 1-based): chr2:149,010,224, G>A. VCF-style: chr2-149010224-G-A. GRCh37 (hg19) VCF-style: chr2-149866738-G-A.
Other names: c.2640G>A (NM_004522.2).
Identifiers: ClinVar variation 808818 (VCV000808818.43), dbSNP rs376124388, ClinGen allele CA1901745.

ClinVar aggregate classification (germline): Conflicting classifications of pathogenicity. Review status: criteria provided, conflicting classifications (1 of 4 stars). 2 submissions from 2 submitters: Uncertain significance (1); Likely benign (1). Last evaluated 2026-01-23.

Conditions:
KIF5C-related disorder. Also called: KIF5C-related condition.

Allele frequency attached by ClinVar (database versions not stated): gnomAD exomes 0.00001 and 0.00004; ExAC 0.00011; ESP Exome Variant Server 0.00016; gnomAD 0.00022 and 0.00027; TOPMed 0.00029.
gnomAD v4.1: 57 of 1,569,258 alleles (0.0036%); highest among the groups gnomAD compares: African/African-American, 0.072%; no homozygotes.

Submissions (2):

PreventionGenetics, part of Exact Sciences
Classification: Likely benign for KIF5C-related condition. Last evaluated: 2026-01-23. Review status: criteria provided, single submitter. Criteria: ACMG Guidelines, 2015. Collection method: clinical testing. Allele origin: germline.
Comment: This variant is classified as likely benign based on ACMG/AMP sequence variant interpretation guidelines (Richards et al. 2015 PMID: 25741868, with internal and published modifications).

CeGaT Center for Human Genetics Tuebingen
Classification: Uncertain significance. Last evaluated: 2016-05-01. Review status: criteria provided, single submitter. Criteria: CeGaT Center For Human Genetics Tuebingen Variant Classification Criteria Version 2. Collection method: clinical testing. Allele origin: germline. Affected: yes. Observed: 1 variant allele.